The following is an entry in ClinVar:

ClinVar aggregate classification (germline): Conflicting classifications of pathogenicity. Review status: criteria provided, conflicting classifications (1 of 4 stars). 2 submissions from 2 submitters: Uncertain significance (1); Likely benign (1). Last evaluated 2023-03-23.

Conditions:
Hereditary cancer-predisposing syndrome. Also called: Neoplastic Syndromes, Hereditary; Tumor predisposition; Hereditary neoplastic syndrome; Hereditary Cancer Syndrome. Identifiers: Orphanet 140162, MedGen C0027672, MeSH D009386, MONDO:0015356.

Allele frequency attached by ClinVar (database versions not stated): gnomAD exomes below 0.00001; ExAC 0.00001.
gnomAD v4.1: 2 of 1,596,668 alleles (0.00013%); highest among the groups gnomAD compares: South Asian, 0.0023%; no homozygotes.

Submissions (2):

University of Washington Department of Laboratory Medicine, University of Washington
Classification: Likely benign for Hereditary cancer-predisposing syndrome. Last evaluated: 2023-03-23. Review status: criteria provided, single submitter. Criteria: Dines et al. (Genet Med. 2020). Collection method: curation. Allele origin: germline.
Comment: Missense variant in a coldspot region where missense variants are very unlikely to be pathogenic (PMID:31911673).

BRCA2 exon 10 coldspot. Reclassification based on statistical prior probability.

Color Diagnostics, LLC DBA Color Health
Classification: Uncertain significance for Hereditary cancer-predisposing syndrome. Last evaluated: 2019-06-08. Review status: criteria provided, single submitter. Criteria: ACMG Guidelines, 2015. Collection method: clinical testing. Allele origin: germline.

NM_000059.4(BRCA2):c.890A>G (p.Glu297Gly)

Gene: BRCA2 (BRCA2 DNA repair associated; plus strand). Cytogenetic location: 13q13.1.
Variant type: single nucleotide variant.
Coding change: c.890A>G on transcript NM_000059.4 (MANE Select); coding-DNA position 890, A replaced by G.
Protein change: p.Glu297Gly; replaces glutamic acid 297 with glycine.
Molecular consequence: missense variant.
Genome position (GRCh38, 1-based): chr13:32,332,368, A>G. VCF-style: chr13-32332368-A-G. GRCh37 (hg19) VCF-style: chr13-32906505-A-G.
Other names: short protein forms E297G.
Identifiers: ClinVar variation 628298 (VCV000628298.5), dbSNP rs765756715, ClinGen allele CA6940473.